The following is an entry in ClinVar:

ClinVar aggregate classification (germline): Uncertain significance. Review status: criteria provided, single submitter (1 of 4 stars). 2 submissions from 2 submitters: Uncertain significance (1). 1 of the submissions does not count toward it. Last evaluated 2023-04-24.

Conditions:
Erythrocytosis, familial, 6. Also called: ERYTHROCYTOSIS, BETA-GLOBIN TYPE; POLYCYTHEMIA, BETA-GLOBIN TYPE. Identifiers: MedGen C4693822, MONDO:0054801, OMIM 617980.
Thalassemia. Identifiers: MedGen C0039730, MONDO:0000984.

Allele frequency attached by ClinVar (database versions not stated): gnomAD 0.02483 and 0.02765; TOPMed 0.02557; gnomAD exomes 0.04041; 1000 Genomes Project 30x 0.04388; 1000 Genomes Project 0.04653.

Submissions (2):

Department of Pathology and Laboratory Medicine, Sinai Health System
Classification: Uncertain significance for erythrocytosis, familial, 6. Last evaluated: 2023-04-24. Review status: criteria provided, single submitter. Criteria: ACMG Guidelines, 2015. Collection method: research. Allele origin: germline.

Biochemical and Immune Lab of Obstetrics and Gynecology, The Third Affiliated Hospital of Guangzhou Medical University
Classification: risk factor for Thalassemia. Last evaluated: 2021-08-18. Review status: no assertion criteria provided. Collection method: case-control. Allele origin: germline. Inheritance: Autosomal dominant inheritance. Observed: 87 variant alleles, 80 heterozygotes, 7 homozygotes. Not counted in ClinVar's aggregate classification.
Comment: Genetic polymorphisms of the β-globin 3' enhancer ( RS12574989 together with two haplotypes ) were associated with population characteristics of increased HbA and decreased HbA2.

NC_000011.10:g.5225284C>T

Genes: HBB (hemoglobin subunit beta; minus strand), LOC107133510 (origin of replication at HBB; plus strand), LOC110006319 (beta-globin gene 3' regulatory region; plus strand). Cytogenetic location: 11p15.4.
Variant type: single nucleotide variant.
Genome position: GRCh38 VCF-style: chr11-5225284-C-T. GRCh37 (hg19) VCF-style: chr11-5246514-C-T.
Identifiers: ClinVar variation 1217302 (VCV001217302.5), dbSNP rs12574989, ClinGen allele CA217111962.
Genomic context (GRCh38, chr11:5,225,284, plus strand): 5'-TTTAACCTCCAAATCAAGCCTCTACTTGAATCCTTTTCTGAGGGATGAATAAGGCATATG[C>T]ATCAGGGGCTGTTGCCAATGTGCATTAGCTGTTTGCAGCCTCACCTTCTTTCATGGAGTT-3'